The following is an entry in ClinVar:

NM_001080.3(ALDH5A1):c.698C>T (p.Thr233Met)

Gene: ALDH5A1 (aldehyde dehydrogenase 5 family member A1; plus strand). Cytogenetic location: 6p22.3.
Variant type: single nucleotide variant.
Coding change: c.698C>T on transcript NM_001080.3 (MANE Select); coding-DNA position 698, C replaced by T.
Protein change: p.Thr233Met; replaces threonine 233 with methionine.
Molecular consequence: missense variant.
Genome position (GRCh38, 1-based): chr6:24,504,957, C>T. VCF-style: chr6-24504957-C-T. GRCh37 (hg19) VCF-style: chr6-24505185-C-T.
Other names: c.698C>T, p.Thr233Met (NM_001368954.1, NM_170740.1); short protein forms T233M.
Identifiers: ClinVar variation 1810826 (VCV001810826.9), dbSNP rs1326526453, ClinGen allele CA362970158.

ClinVar aggregate classification (germline): Pathogenic. Review status: criteria provided, multiple submitters, no conflicts (2 of 4 stars). 4 submissions from 4 submitters: Pathogenic (4). Last evaluated 2026-01-12.

Conditions:
Succinate-semialdehyde dehydrogenase deficiency (SSADHD). Also called: Succinic Semialdehyde Dehydrogenase Deficiency; SSADH DEFICIENCY; 4-HYDROXYBUTYRIC ACIDURIA; GABA METABOLIC DEFECT. Identifiers: Orphanet 22, MedGen C0268631, MONDO:0010083, OMIM 271980.

Allele frequency attached by ClinVar (database versions not stated): gnomAD exomes below 0.00001; gnomAD 0.00001; TOPMed 0.00001.

Submissions (4):

Labcorp Genetics (formerly Invitae), Labcorp
Classification: Pathogenic for Succinate-semialdehyde dehydrogenase deficiency. Last evaluated: 2026-01-12. Review status: criteria provided, single submitter. Criteria: Invitae Variant Classification Sherloc (09022015). Collection method: clinical testing. Allele origin: germline.
Comment: This sequence change replaces threonine, which is neutral and polar, with methionine, which is neutral and non-polar, at codon 233 of the ALDH5A1 protein (p.Thr233Met). This variant is not present in population databases (gnomAD no frequency). This missense change has been observed in individual(s) with succinic semialdehyde dehydrogenase deficiency (PMID: 14635103, 32395407). It has also been observed to segregate with disease in related individuals. ClinVar contains an entry for this variant (Variation ID: 1810826). Invitae Evidence Modeling of protein sequence and biophysical properties (such as structural, functional, and spatial information, amino acid conservation, physicochemical variation, residue mobility, and thermodynamic stability) indicates that this missense variant is not expected to disrupt ALDH5A1 protein function with a negative predictive value of 80%. Experimental studies have shown that this missense change affects ALDH5A1 function (PMID: 14635103). For these reasons, this variant has been classified as Pathogenic.

3billion
Classification: Pathogenic for Succinate-semialdehyde dehydrogenase deficiency. Last evaluated: 2024-07-04. Review status: criteria provided, single submitter. Criteria: ACMG Guidelines, 2015. Collection method: clinical testing. Allele origin: germline. Affected: yes.
Comment: The variant is observed at an extremely low frequency in the gnomAD v4.0.0 dataset (total allele frequency: <0.001%). Predicted Consequence/Location: Missense variant Functional studies provide strong evidence of the variant having a damaging effect on the gene or gene product (PMID: 14635103). In silico tool predictions suggest damaging effect of the variant on gene or gene product [REVEL: 0.84 (>=0.6, sensitivity 0.68 and specificity 0.92); 3Cnet: 0.81 (>=0.6, sensitivity 0.72 and precision 0.9)]. The same nucleotide change resulting in the same amino acid change has been previously reported as pathogenic/likely pathogenic with strong evidence (ClinVar ID: VCV001810826 /PMID: 14635103). Therefore, this variant is classified as Pathogenic according to the recommendation of ACMG/AMP guideline.

Women's Health and Genetics/Laboratory Corporation of America, LabCorp
Classification: Pathogenic for Succinate-semialdehyde dehydrogenase deficiency. Last evaluated: 2023-07-27. Review status: criteria provided, single submitter. Criteria: LabCorp Variant Classification Summary - May 2015. Collection method: clinical testing. Allele origin: germline.
Comment: Variant summary: ALDH5A1 c.698C>T (p.Thr233Met) results in a non-conservative amino acid change located in the Aldehyde dehydrogenase domain (IPR015590) of the encoded protein sequence. Five of five in-silico tools predict a damaging effect of the variant on protein function. The variant was absent in 251408 control chromosomes (gnomAD). c.698C>T has been reported in the literature in multiple individuals affected with Succinic Semialdehyde Dehydrogenase Deficiency (example: Akaboshi_2003). These data indicate that the variant is very likely to be associated with disease. At least one publication reports experimental evidence evaluating an impact on protein function. The most pronounced variant effect results in <10% of normal activity (Akaboshi_2003). The following publication have been ascertained in the context of this evaluation (PMID: 14635103). Two submitters have cited clinical-significance assessments for this variant to ClinVar after 2014. All submitters classified the variant as pathogenic. Based on the evidence outlined above, the variant was classified as pathogenic.

Elsea Laboratory, Baylor College of Medicine
Classification: Pathogenic for Succinate-semialdehyde dehydrogenase deficiency. Last evaluated: 2021-03-08. Review status: criteria provided, single submitter. Criteria: Martin et al. (J Child Neurol. 2021). Collection method: curation. Allele origin: germline. Affected: yes.
Comment: enzyme activity ~ 4%;NAD binding domain

Literature cited by the submitters: PubMed 14635103 (cited by 4 submitters); PubMed 32395407 (cited by Labcorp Genetics (formerly Invitae), Labcorp); PubMed 33203024 (cited by Elsea Laboratory, Baylor College of Medicine).